The following is an entry in ClinVar:

NM_032608.7(MYO18B):c.3919G>A (p.Glu1307Lys)

Gene: MYO18B (myosin XVIIIB; plus strand). Cytogenetic location: 22q12.1.
Variant type: single nucleotide variant.
Coding change: c.3919G>A on transcript NM_032608.7 (MANE Select); coding-DNA position 3919, G replaced by A.
Protein change: p.Glu1307Lys; replaces glutamic acid 1307 with lysine.
Molecular consequence: missense variant.
Genome position (GRCh38, 1-based): chr22:25,868,353, G>A. VCF-style: chr22-25868353-G-A. GRCh37 (hg19) VCF-style: chr22-26264320-G-A.
Other names: c.3922G>A, p.Glu1308Lys (NM_001318245.2); c.3919G>A (NM_032608.5); short protein forms E1308K, E1307K.
Identifiers: ClinVar variation 1346538 (VCV001346538.4), dbSNP rs755173708, ClinGen allele CA10160691.
Genomic context (GRCh38, chr22:25,868,353, plus strand): 5'-CTAACTTCTCTCTAATTTTTTCCCCAGGCCGTGGAGGAGCTCCTGGAGACCCTGGATCTG[G>A]AAAAGAAGGCGGTGGCTGTGGGGCACAGCCAAGTGAGTAGAGCTGCTTTCTTACAACATT-3'
Protein context (NP_115997.5, residues 1297-1317): VEELLETLDL[Glu1307Lys]KKAVAVGHSQ

ClinVar aggregate classification (germline): Uncertain significance. Review status: criteria provided, multiple submitters, no conflicts (2 of 4 stars). 2 submissions from 2 submitters: Uncertain significance (2). Last evaluated 2025-11-08.

Conditions:
Inborn genetic diseases. Identifiers: MedGen C0950123, MeSH D030342.

Allele frequency attached by ClinVar (database versions not stated): ExAC 0.00002; gnomAD 0.00003 and 0.00004; gnomAD exomes below 0.00001; TOPMed 0.00003.
gnomAD v4.1: 8 of 1,603,966 alleles (0.0005%); highest among the groups gnomAD compares: African/African-American, 0.008%; no homozygotes.

Submissions (2):

Ambry Genetics
Classification: Uncertain significance for Inborn genetic diseases. Last evaluated: 2025-11-08. Review status: criteria provided, single submitter. Criteria: Ambry Variant Classification Scheme 2023. Collection method: clinical testing. Allele origin: germline.

Labcorp Genetics (formerly Invitae), Labcorp
Classification: Uncertain significance. Last evaluated: 2022-02-24. Review status: criteria provided, single submitter. Criteria: Invitae Variant Classification Sherloc (09022015). Collection method: clinical testing. Allele origin: germline.
Comment: This sequence change replaces glutamic acid with lysine at codon 1307 of the MYO18B protein (p.Glu1307Lys). The glutamic acid residue is moderately conserved and there is a small physicochemical difference between glutamic acid and lysine. This variant is present in population databases (rs755173708, gnomAD 0.004%). This variant has not been reported in the literature in individuals affected with MYO18B-related conditions. Algorithms developed to predict the effect of missense changes on protein structure and function are either unavailable or do not agree on the potential impact of this missense change (SIFT: "Not Available"; PolyPhen-2: "Probably Damaging"; Align-GVGD: "Not Available"). In summary, the available evidence is currently insufficient to determine the role of this variant in disease. Therefore, it has been classified as a Variant of Uncertain Significance.